The following is an entry in ClinVar:

ClinVar aggregate classification (germline): Benign. Review status: criteria provided, multiple submitters, no conflicts (2 of 4 stars). 3 submissions from 2 submitters: Benign (3). Last evaluated 2018-01-13.

Conditions:
Alzheimer disease 3 (AD3). Also called: ALZHEIMER DISEASE, FAMILIAL, 3. Identifiers: Orphanet 1020, MedGen C1843013, MONDO:0011913, OMIM 607822.
Dilated cardiomyopathy 1U. Identifiers: Orphanet 154, MedGen C3160720, MONDO:0013371, OMIM 613694.

Allele frequency attached by ClinVar (database versions not stated): gnomAD 0.14277 and 0.14741; 1000 Genomes Project 30x 0.14335; TOPMed 0.14352; 1000 Genomes Project 0.14597; gnomAD exomes 0.16176.
gnomAD v4.1: 22,482 of 152,360 alleles (15%); highest among the groups gnomAD compares: South Asian, 24%; 1,883 homozygotes.

Submissions (3):

Illumina Laboratory Services, Illumina
Classification: Benign for Alzheimer disease 3. Last evaluated: 2018-01-13. Review status: criteria provided, single submitter. Criteria: ICSL Variant Classification Criteria 13 December 2019. Collection method: clinical testing. Allele origin: germline.
Comment: This variant was observed in the ICSL laboratory as part of a predisposition screen in an ostensibly healthy population. It had not been previously curated by ICSL or reported in the Human Gene Mutation Database (HGMD: prior to June 1st, 2018), and was therefore a candidate for classification through an automated scoring system. Utilizing variant allele frequency, disease prevalence and penetrance estimates, and inheritance mode, an automated score was calculated to assess if this variant is too frequent to cause the disease. Based on the score and internal cut-off values, a variant classified as benign is not then subjected to further curation. The score for this variant resulted in a classification of benign for this disease.

Illumina Laboratory Services, Illumina
Classification: Benign for Dilated cardiomyopathy 1U. Last evaluated: 2018-01-13. Review status: criteria provided, single submitter. Criteria: ICSL Variant Classification Criteria 13 December 2019. Collection method: clinical testing. Allele origin: germline.
Comment: the same text as in the submission from Illumina Laboratory Services, Illumina above.

Breakthrough Genomics
Classification: Benign. Review status: criteria provided, single submitter. Criteria: ACMG Guidelines, 2015. Collection method: not provided. Allele origin: germline. Inheritance: Autosomal dominant inheritance. Affected: yes.

NM_000021.4(PSEN1):c.*947G>A

Gene: PSEN1 (presenilin 1; plus strand). Cytogenetic location: 14q24.2.
Variant type: single nucleotide variant.
Coding change: c.*947G>A on transcript NM_000021.4 (MANE Select); 947 bases downstream of the stop codon, G replaced by A.
Molecular consequence: 3 prime UTR variant.
Genome position (GRCh38, 1-based): chr14:73,220,236, G>A. VCF-style: chr14-73220236-G-A. GRCh37 (hg19) VCF-style: chr14-73686944-G-A.
Other names: c.*947G>A (NM_007318.3).
Identifiers: ClinVar variation 313960 (VCV000313960.6), dbSNP rs7523, ClinGen allele CA10640736.
Genomic context (GRCh38, chr14:73,220,236, plus strand): 5'-TCCTCATTCTTCTCTCCCACACAAGCAGTCTTTTTCTACAGCCAGTAAGGCAGCTCTGTC[G>A]TGGTAGCAGATGGTCCCATTATTCTAGGGTCTTACTCTTTGTATGATGAAAAGAATGTGT-3'